The following is an entry in ClinVar:

ClinVar aggregate classification (germline): Uncertain significance (1 of 4 stars; one submission).

gnomAD v4.1: 1 of 1,613,710 alleles (0.000062%); highest among the groups gnomAD compares: Admixed American, 0.0017%; no homozygotes.

Submission:

Labcorp Genetics (formerly Invitae), Labcorp
Classification: Uncertain significance. Last evaluated: 2025-12-01. Review status: criteria provided, single submitter. Criteria: Invitae Variant Classification Sherloc (09022015). Collection method: clinical testing. Allele origin: germline.
Comment: This sequence change replaces phenylalanine, which is neutral and non-polar, with valine, which is neutral and non-polar, at codon 138 of the PLOD3 protein (p.Phe138Val). This variant is not present in population databases (gnomAD no frequency). This variant has not been reported in the literature in individuals affected with PLOD3-related conditions. An algorithm developed to predict the effect of missense changes on protein structure and function (PolyPhen-2) suggests that this variant is likely to be disruptive. In summary, the available evidence is currently insufficient to determine the role of this variant in disease. Therefore, it has been classified as a Variant of Uncertain Significance.

NM_001084.5(PLOD3):c.412T>G (p.Phe138Val)

Gene: PLOD3 (procollagen-lysine,2-oxoglutarate 5-dioxygenase 3; minus strand). Cytogenetic location: 7q22.1.
Variant type: single nucleotide variant.
Coding change: c.412T>G on transcript NM_001084.5 (MANE Select); coding-DNA position 412, T replaced by G.
Protein change: p.Phe138Val; replaces phenylalanine 138 with valine.
Molecular consequence: missense variant.
Genome position (GRCh38, 1-based): chr7:101,216,253, A>C on the plus strand (T>G on the coding strand, the complement: PLOD3 is on the minus strand). VCF-style: chr7-101216253-A-C. GRCh37 (hg19) VCF-style: chr7-100859534-A-C.
Other names: short protein forms F138V.
Identifiers: ClinVar variation 4768942 (VCV004768942.1).